The following is an entry in ClinVar:

NC_000023.10:g.(?_32328179)_(32536268_?)del

Gene: DMD (dystrophin; minus strand). Cytogenetic location: Xp21.1.
Variant type: Deletion.
Identifiers: ClinVar variation 1069564 (VCV001069564.8).

ClinVar aggregate classification (germline): Pathogenic (1 of 4 stars; one submission).

Conditions:
Duchenne muscular dystrophy (DMD). Also called: MUSCULAR DYSTROPHY, PSEUDOHYPERTROPHIC PROGRESSIVE, DUCHENNE TYPE; Duchenne Muscular Dystrophy (DMD). Identifiers: Orphanet 98896, MedGen C0013264, MONDO:0010679, OMIM 310200.

Submission:

Labcorp Genetics (formerly Invitae), Labcorp
Classification: Pathogenic for Duchenne muscular dystrophy. Last evaluated: 2020-09-25. Review status: criteria provided, single submitter. Criteria: Invitae Variant Classification Sherloc (09022015). Collection method: clinical testing. Allele origin: germline.
Comment: For these reasons, this variant has been classified as Pathogenic. Loss-of-function variants in DMD are known to be pathogenic (PMID: 16770791, 25007885). This variant has been observed in individual(s) with Duchenne muscular dystrophy (PMID: 31705731). This variant is an out-of-frame deletion of the genomic region encompassing exon(s) 18-42 of the DMD gene. This is expected to create a premature translational stop signal and result in an absent or disrupted protein product.

Literature cited by the submitters: PubMed 16770791; PubMed 25007885; PubMed 31705731.